The following is an entry in ClinVar:

ClinVar aggregate classification (germline): Pathogenic (1 of 4 stars; one submission).

Conditions:
Paroxysmal extreme pain disorder (PEXPD). Also called: PAIN, SUBMANDIBULAR, OCULAR, AND RECTAL, WITH FLUSHING; RECTAL PAIN, FAMILIAL; SCN9A Paroxysmal Extreme Pain Disorder (SCN9A-PEPD). Identifiers: Orphanet 46348, MedGen C1833661, MONDO:0008179, OMIM 167400.

Submission:

Victorian Clinical Genetics Services, Murdoch Childrens Research Institute
Classification: Pathogenic for Paroxysmal extreme pain disorder. Last evaluated: 2025-04-03. Review status: criteria provided, single submitter. Criteria: ACMG Guidelines, 2015. Collection method: clinical testing. Allele origin: germline. Affected: yes.
Comment: This variant is classified as Pathogenic. Evidence in support of pathogenic classification: Variant is absent from gnomAD (v2, v3 and v4); Another missense variant comparable to the one identified in this case has moderate previous evidence for pathogenicity. The p.(Ile859Thr) variant has been classified as pathogenic by multiple clinical laboratories in ClinVar; Missense variant predicted to be damaging by in silico tool(s) or highly conserved with a major amino acid change; Additional information: Variant is predicted to result in a missense amino acid change from isoleucine to phenylalanine; This variant is heterozygous; This gene is associated with both recessive and dominant disease. Type IID hereditary sensory and autonomic neuropathy, and congenital insensitivity to pain (MIM#243000) are associated with autosomal recessive inheritance. Primary erythermalgia and small fiber neuropathy (MIM#133020), and paroxysmal extreme pain disorder (MIM#167400), are inherited in an autosomal dominant pattern (OMIM); This variant has no previous evidence of pathogenicity; No published segregation evidence has been identified for this variant; No published functional evidence has been identified for this variant; Variant is located in the annotated ion transport protein domain (DECIPHER); Loss of function and gain of function are known mechanisms of disease in this gene. Loss of function variants are associated with congenital insensitivity to pain (MIM#243000). Gain of function variants are associated with primary erythermalgia (MIM#133020) and paroxysmal extreme pain disorder (MIM#167400) (PMID: 18060017); The condition associated with this gene has incomplete penetrance. Small fiber neuropathy is associated with reduced penetrance (PMID: 20301342).

Literature cited by the submitters: PubMed 20301342; PubMed 18060017.

NM_001365536.1(SCN9A):c.2575A>T (p.Ile859Phe)

Genes: SCN1A-AS1 (SCN1A and SCN9A antisense RNA 1; plus strand), SCN9A (sodium voltage-gated channel alpha subunit 9; minus strand). Cytogenetic location: 2q24.3.
Variant type: single nucleotide variant.
Coding change: c.2575A>T on transcript NM_001365536.1 (MANE Select); coding-DNA position 2575, A replaced by T.
Protein change: p.Ile859Phe; replaces isoleucine 859 with phenylalanine.
Molecular consequence: missense variant.
Genome position (GRCh38, 1-based): chr2:166,277,282, T>A on the plus strand (A>T on the coding strand, the complement: SCN9A is on the minus strand). VCF-style: chr2-166277282-T-A. GRCh37 (hg19) VCF-style: chr2-167133792-T-A.
Other names: c.2542A>T, p.Ile848Phe (NM_002977.4); short protein forms I848F, I859F.
Identifiers: ClinVar variation 4531783 (VCV004531783.1).